The following is an entry in ClinVar:

ClinVar aggregate classification (germline): Pathogenic. Review status: criteria provided, multiple submitters, no conflicts (2 of 4 stars). 3 submissions from 3 submitters: Pathogenic (3). Last evaluated 2026-04-01.

Conditions:
Developmental and epileptic encephalopathy, 42 (DEE42A). Also called: Epileptic encephalopathy, early infantile, 42; DEVELOPMENTAL AND EPILEPTIC ENCEPHALOPATHY 42A; EPILEPTIC ENCEPHALOPATHY, EARLY INFANTILE, 42A. Identifiers: MedGen C4310716, MONDO:0014917, OMIM 617106.
Episodic ataxia type 2 (EA2). Also called: CEREBELLAR ATAXIA, PAROXYSMAL, ACETAZOLAMIDE-RESPONSIVE; CEREBELLOPATHY, HEREDITARY PAROXYSMAL; EPISODIC ATAXIA, NYSTAGMUS-ASSOCIATED; ATAXIA, EPISODIC, WITH NYSTAGMUS; ATAXIA, FAMILIAL PAROXYSMAL; ACETAZOLAMIDE-RESPONSIVE HEREDITARY PAROXYSMAL CEREBELLAR ATAXIA. Identifiers: Orphanet 97, MedGen C1720416, MONDO:0007163, OMIM 108500.
Inborn genetic diseases. Identifiers: MedGen C0950123, MeSH D030342.

Submissions (3):

GeneDx
Classification: Pathogenic. Last evaluated: 2026-04-01. Review status: criteria provided, single submitter. Criteria: GeneDx Variant Classification Process June 2021. Collection method: clinical testing. Allele origin: germline.
Comment: Frameshift variant predicted to result in protein truncation or nonsense mediated decay in a gene for which loss of function is a known mechanism of disease; This variant is associated with the following publications: (PMID: 37422902, 31440721)

Ambry Genetics
Classification: Pathogenic for Inborn genetic diseases. Last evaluated: 2024-10-17. Review status: criteria provided, single submitter. Criteria: Ambry Variant Classification Scheme 2023. Collection method: clinical testing. Allele origin: germline.
Comment: The c.3535delC (p.L1179Sfs*8) alteration, located in exon 20 (coding exon 20) of the CACNA1A gene, consists of a deletion of one nucleotide at position 3535, causing a translational frameshift with a predicted alternate stop codon after 8 amino acids. This alteration is expected to result in loss of function by premature protein truncation or nonsense-mediated mRNA decay. for CACNA1A-related neurologic disorder; however, it is unlikely to be causative of CACNA1A-related spinocerebellar ataxia. Based on data from gnomAD, this allele has an overall frequency of 0.005% (8/169032) total alleles studied. The highest observed frequency was 0.029% (1/3472) of Ashkenazi Jewish alleles; however, this alteration was flagged as a low confidence call in the Genome Aggregation Database (gnomAD). Based on the available evidence, this alteration is classified as pathogenic.

Labcorp Genetics (formerly Invitae), Labcorp
Classification: Pathogenic for Developmental and epileptic encephalopathy, 42; Episodic ataxia type 2. Last evaluated: 2018-08-05. Review status: criteria provided, single submitter. Criteria: Invitae Variant Classification Sherloc (09022015). Collection method: clinical testing. Allele origin: germline.
Comment: This sequence change creates a premature translational stop signal (p.Leu1179Serfs*8) in the CACNA1A gene. It is expected to result in an absent or disrupted protein product. This variant is present in population databases (rs757953057, ExAC 0.003%). This variant has not been reported in the literature in individuals with CACNA1A-related disease. Loss-of-function variants in CACNA1A are known to be pathogenic (PMID: 10371528, 19486177, 25735478, 27250579). For these reasons, this variant has been classified as Pathogenic.

Literature cited by the submitters: PubMed 10371528 (cited by Labcorp Genetics (formerly Invitae), Labcorp); PubMed 19486177 (cited by Labcorp Genetics (formerly Invitae), Labcorp); PubMed 25735478 (cited by Labcorp Genetics (formerly Invitae), Labcorp); PubMed 27250579 (cited by Labcorp Genetics (formerly Invitae), Labcorp).

NM_001127222.2(CACNA1A):c.3532del (p.Leu1178fs)

Gene: CACNA1A (calcium voltage-gated channel subunit alpha1 A; minus strand). Cytogenetic location: 19p13.13.
Variant type: Deletion.
Coding change: c.3532del on transcript NM_001127222.2 (MANE Select); coding-DNA position 3532, one base deleted (C; older notation c.3532delC).
Protein change: p.Leu1178fs; shifts the reading frame from leucine 1178.
Molecular consequence: frameshift variant.
Genome position (GRCh38, 1-based): chr19:13,286,524, G deleted on the plus strand (C on the coding strand, the reverse complement: CACNA1A is on the minus strand); the first of 7 consecutive G bases (chr19:13,286,524-13,286,530); deleting any one gives the same sequence. VCF-style (leftmost placement, unchanged base first): chr19-13286523-AG-A. GRCh37 (hg19) VCF-style: chr19-13397337-AG-A.
Other names: c.3544del, p.Leu1182fs (NM_000068.4, NM_023035.3); c.3535del, p.Leu1179fs (NM_001127221.2, NM_001174080.2); c.3535delC (NM_001127221.1); c.3535del (NM_001127221.1); short protein forms L1179fs, L1182fs, L1178fs.
Identifiers: ClinVar variation 644525 (VCV000644525.5), dbSNP rs757953057, ClinGen allele CA9240288.
Genomic context (GRCh38, chr19:13,286,523, plus strand): 5'-CAGGTCCCCTGCCCAGTGATGTGAGAGCAGAGGGTCTCACCTTGTACGACGGTGTGGTTG[AG>A]GGGGGGTGGGCAGGCTGGGGGGATGTCCACTGTGGTGTGGTCGGGTTTCCTGGCAGTCTT-3'